The following is an entry in ClinVar:

NM_020547.3(AMHR2):c.907C>T (p.Arg303Trp)

Gene: AMHR2 (anti-Mullerian hormone receptor type 2; plus strand). Cytogenetic location: 12q13.13.
Variant type: single nucleotide variant.
Coding change: c.907C>T on transcript NM_020547.3 (MANE Select); coding-DNA position 907, C replaced by T.
Protein change: p.Arg303Trp; replaces arginine 303 with tryptophan.
Molecular consequence: missense variant.
Genome position (GRCh38, 1-based): chr12:53,428,950, C>T. VCF-style: chr12-53428950-C-T. GRCh37 (hg19) VCF-style: chr12-53822734-C-T.
Other names: c.907C>T, p.Arg303Trp (NM_001164690.2, NM_001164691.2); short protein forms R303W.
Identifiers: ClinVar variation 3630754 (VCV003630754.2).
Genomic context (GRCh38, chr12:53,428,950, plus strand): 5'-CCCCAGGGCTCCCTGTGCCACTACTTGACCCAGTACACCAGTGACTGGGGAAGTTCCCTG[C>T]GGATGGCACTGTCCCTGGCCCAGGGCCTGGCATTTCTCCATGAGGAGCGCTGGCAGAATG-3'
Protein context (NP_065434.1, residues 293-313): QYTSDWGSSL[Arg303Trp]MALSLAQGLA

ClinVar aggregate classification (germline): Likely pathogenic (1 of 4 stars; one submission).

gnomAD v4.1: 49 of 1,551,660 alleles (0.0032%); highest among the groups gnomAD compares: Admixed American, 0.041%; no homozygotes.

Submission:

Labcorp Genetics (formerly Invitae), Labcorp
Classification: Likely pathogenic. Last evaluated: 2025-12-08. Review status: criteria provided, single submitter. Criteria: Invitae Variant Classification Sherloc (09022015). Collection method: clinical testing. Allele origin: germline.
Comment: This sequence change replaces arginine, which is basic and polar, with tryptophan, which is neutral and slightly polar, at codon 303 of the AMHR2 protein (p.Arg303Trp). This variant is present in population databases (rs371318635, gnomAD 0.06%). This missense change has been observed in individual(s) with persistent Mullerian duct syndrome (PMID: 28528332; internal data). In at least one individual the data is consistent with being in trans (on the opposite chromosome) from a pathogenic variant. ClinVar contains an entry for this variant (Variation ID: 3630754). Invitae Evidence Modeling of protein sequence and biophysical properties (such as structural, functional, and spatial information, amino acid conservation, physicochemical variation, residue mobility, and thermodynamic stability) has been performed for this missense variant. However, the output from this modeling did not meet the statistical confidence thresholds required to predict the impact of this variant on AMHR2 protein function. In summary, the currently available evidence indicates that the variant is pathogenic, but additional data are needed to prove that conclusively. Therefore, this variant has been classified as Likely Pathogenic.

Literature cited by the submitters: PubMed 28528332.